The following is an entry in ClinVar:

NM_004181.5(UCHL1):c.56G>T (p.Arg19Leu)

Gene: UCHL1 (ubiquitin C-terminal hydrolase L1; plus strand). Cytogenetic location: 4p13.
Variant type: single nucleotide variant.
Coding change: c.56G>T on transcript NM_004181.5 (MANE Select); coding-DNA position 56, G replaced by T.
Protein change: p.Arg19Leu; replaces arginine 19 with leucine.
Molecular consequence: missense variant.
Genome position (GRCh38, 1-based): chr4:41,257,619, G>T. VCF-style: chr4-41257619-G-T. GRCh37 (hg19) VCF-style: chr4-41259636-G-T.
Other names: short protein forms R19L.
Identifiers: ClinVar variation 4709341 (VCV004709341.1).

ClinVar aggregate classification (germline): Uncertain significance (1 of 4 stars; one submission).

gnomAD v4.1: 7 of 1,553,124 alleles (0.00045%); highest among the groups gnomAD compares: Non-Finnish European, 0.00043%; no homozygotes.

Submission:

Labcorp Genetics (formerly Invitae), Labcorp
Classification: Uncertain significance. Last evaluated: 2025-11-09. Review status: criteria provided, single submitter. Criteria: Invitae Variant Classification Sherloc (09022015). Collection method: clinical testing. Allele origin: germline.
Comment: This sequence change replaces arginine, which is basic and polar, with leucine, which is neutral and non-polar, at codon 19 of the UCHL1 protein (p.Arg19Leu). The frequency data for this variant in the population databases is considered unreliable, as metrics indicate poor data quality at this position in the gnomAD database. This variant has not been reported in the literature in individuals affected with UCHL1-related conditions. An algorithm developed to predict the effect of missense changes on protein structure and function (PolyPhen-2) suggests that this variant is likely to be tolerated. In summary, the available evidence is currently insufficient to determine the role of this variant in disease. Therefore, it has been classified as a Variant of Uncertain Significance.